The following is an entry in ClinVar:

NM_006929.5(SKIC2):c.1727G>T (p.Arg576Leu)

Gene: SKIC2 (SKI2 subunit of superkiller complex; plus strand). Cytogenetic location: 6p21.33.
Variant type: single nucleotide variant.
Coding change: c.1727G>T on transcript NM_006929.5 (MANE Select); coding-DNA position 1727, G replaced by T.
Protein change: p.Arg576Leu; replaces arginine 576 with leucine.
Molecular consequence: missense variant.
Genome position (GRCh38, 1-based): chr6:31,963,992, G>T. VCF-style: chr6-31963992-G-T. GRCh37 (hg19) VCF-style: chr6-31931769-G-T.
Other names: short protein forms R576L.
Identifiers: ClinVar variation 2047360 (VCV002047360.2), dbSNP rs374603181, ClinGen allele CA363461407.

ClinVar aggregate classification (germline): Uncertain significance (1 of 4 stars; one submission).

gnomAD v4.1: 5 of 1,612,196 alleles (0.00031%); highest among the groups gnomAD compares: Non-Finnish European, 0.00042%; no homozygotes.

Submission:

Labcorp Genetics (formerly Invitae), Labcorp
Classification: Uncertain significance. Last evaluated: 2022-07-19. Review status: criteria provided, single submitter. Criteria: Invitae Variant Classification Sherloc (09022015). Collection method: clinical testing. Allele origin: germline.
Comment: This sequence change replaces arginine, which is basic and polar, with leucine, which is neutral and non-polar, at codon 576 of the SKIV2L protein (p.Arg576Leu). In summary, the available evidence is currently insufficient to determine the role of this variant in disease. Therefore, it has been classified as a Variant of Uncertain Significance. Algorithms developed to predict the effect of missense changes on protein structure and function are either unavailable or do not agree on the potential impact of this missense change (SIFT: "Deleterious"; PolyPhen-2: "Probably Damaging"; Align-GVGD: "Class C0"). This variant has not been reported in the literature in individuals affected with SKIV2L-related conditions. This variant is not present in population databases (gnomAD no frequency).